The following is an entry in ClinVar:

NM_007078.3(LDB3):c.896+6699_896+6700del

Gene: LDB3 (LIM domain binding 3; plus strand). Cytogenetic location: 10q23.2.
Variant type: Microsatellite.
Coding change: c.896+6699_896+6700del on transcript NM_007078.3 (MANE Select); bases 6699 to 6700 of the intron after coding-DNA position 896, 2 bases deleted (TG; older notation c.896+6699_896+6700delTG).
Molecular consequence: intron variant.
Genome position (GRCh38, 1-based): chr10:86,699,270-86,699,271, TG deleted; deleting any 2 consecutive bases within chr10:86,699,268-86,699,271 gives the same sequence; the c. name uses the placement nearest the transcript's 3' end. VCF-style (leftmost placement, unchanged base first): chr10-86699267-CTG-C. GRCh37 (hg19) VCF-style: chr10-88459024-CTG-C.
Other names: c.896+6699_896+6700del (NM_001368064.1, NM_001368065.1); c.897-8_897-7del (NM_001368063.1, NM_001080115.2); c.756-8_756-7del (NM_001368068.1, NM_001368067.1, NM_001080116.1); c.1100+6699_1100+6700del (NM_001171610.2); c.755+6699_755+6700del (NM_001368066.1, NM_001080114.2); c.1101-8_1101-7del (NM_001171611.2).
Identifiers: ClinVar variation 4534038 (VCV004534038.6).
Genomic context (GRCh38, chr10:86,699,267, plus strand): 5'-TCTCTTCTCTCTCTTTCTGTCTCTGTCTCTGTTTCTCTCTCTCTCTCTCTCTCTCTCTCT[CTG>C]TGCCACAGGGAAAGGTTTGAAACGGAACGTAACAGCCCACGTTTTGCCAAATTGCGCAAC-3'

ClinVar aggregate classification (germline): Likely benign (1 of 4 stars; one submission).

Submission:

CeGaT Center for Human Genetics Tuebingen
Classification: Likely benign. Last evaluated: 2025-10-01. Review status: criteria provided, single submitter. Criteria: CeGaT Center For Human Genetics Tuebingen Variant Classification Criteria Version 2. Collection method: clinical testing. Allele origin: germline. Affected: yes. Observed: 1 variant allele.
Comment: LDB3: BP4, BS2